The following is an entry in ClinVar:

NM_001271.4(CHD2):c.1773A>G (p.Ala591=)

Gene: CHD2 (chromodomain helicase DNA binding protein 2; plus strand). Cytogenetic location: 15q26.1.
Variant type: single nucleotide variant.
Coding change: c.1773A>G on transcript NM_001271.4 (MANE Select); coding-DNA position 1773, A replaced by G.
Protein change: p.Ala591=; no amino-acid change (alanine 591 retained).
Molecular consequence: synonymous variant.
Genome position (GRCh38, 1-based): chr15:92,955,476, A>G. VCF-style: chr15-92955476-A-G. GRCh37 (hg19) VCF-style: chr15-93498706-A-G.
Identifiers: ClinVar variation 385704 (VCV000385704.42), dbSNP rs370425217, ClinGen allele CA7747868.

ClinVar aggregate classification (germline): Likely benign. Review status: criteria provided, multiple submitters, no conflicts (2 of 4 stars). 7 submissions from 7 submitters: Likely benign (6). 1 of the submissions does not count toward it. Last evaluated 2025-10-13.

Conditions:
Inborn genetic diseases. Identifiers: MedGen C0950123, MeSH D030342.
CHD2-related disorder. Also called: CHD2-related condition.
Developmental and epileptic encephalopathy 94 (DEE94). Also called: Epileptic encephalopathy, childhood-onset; CHD2-Related Neurodevelopmental Disorders. Identifiers: Orphanet 1942, Orphanet 2382, MedGen C3809278, MONDO:0014150, OMIM 615369.

Allele frequency attached by ClinVar (database versions not stated): gnomAD 0.00003; TOPMed 0.00006; gnomAD exomes 0.00013; ExAC 0.00016; ESP Exome Variant Server 0.00023.
gnomAD v4.1: 410 of 1,598,682 alleles (0.026%); highest among the groups gnomAD compares: Non-Finnish European, 0.032%; no homozygotes.

Submissions (7):

Labcorp Genetics (formerly Invitae), Labcorp
Classification: Likely benign for Developmental and epileptic encephalopathy 94. Last evaluated: 2025-10-13. Review status: criteria provided, single submitter. Criteria: Invitae Variant Classification Sherloc (09022015). Collection method: clinical testing. Allele origin: germline.

Blueprint Genetics
Classification: Likely benign. Last evaluated: 2024-10-24. Review status: criteria provided, single submitter. Criteria: ACMG Guidelines, 2015. Collection method: clinical testing. Allele origin: germline.

CeGaT Center for Human Genetics Tuebingen
Classification: Likely benign. Last evaluated: 2024-06-01. Review status: criteria provided, single submitter. Criteria: CeGaT Center For Human Genetics Tuebingen Variant Classification Criteria Version 2. Collection method: clinical testing. Allele origin: germline. Affected: yes. Observed: 1 variant allele.
Comment: CHD2: BP4, BP7

GeneDx
Classification: Likely benign. Last evaluated: 2021-05-20. Review status: criteria provided, single submitter. Criteria: GeneDx Variant Classification Process June 2021. Collection method: clinical testing. Allele origin: germline. Affected: yes.

Genetic Services Laboratory, University of Chicago
Classification: Likely benign. Last evaluated: 2017-04-24. Review status: criteria provided, single submitter. Criteria: ACMG Guidelines, 2015. Collection method: clinical testing. Allele origin: germline. Affected: no.

Ambry Genetics
Classification: Likely benign for Inborn genetic diseases. Last evaluated: 2017-01-25. Review status: criteria provided, single submitter. Criteria: Ambry Variant Classification Scheme 2023. Collection method: clinical testing. Allele origin: germline.

PreventionGenetics, part of Exact Sciences
Classification: Likely benign for CHD2-related condition. Last evaluated: 2019-05-13. Review status: no assertion criteria provided. Collection method: clinical testing. Allele origin: germline. Not counted in ClinVar's aggregate classification.
Comment: This variant is classified as likely benign based on ACMG/AMP sequence variant interpretation guidelines (Richards et al. 2015 PMID: 25741868, with internal and published modifications).